The following is an entry in ClinVar:

ClinVar aggregate classification (germline): Uncertain significance. Review status: criteria provided, multiple submitters, no conflicts (2 of 4 stars). 2 submissions from 2 submitters: Uncertain significance (2). Last evaluated 2023-04-15.

Conditions:
Hereditary cancer-predisposing syndrome. Also called: Hereditary Cancer Syndrome; Hereditary neoplastic syndrome; Neoplastic Syndromes, Hereditary; Tumor predisposition. Identifiers: Orphanet 140162, MedGen C0027672, MeSH D009386, MONDO:0015356.
Familial adenomatous polyposis 1 (FAP1). Also called: POLYPOSIS, ADENOMATOUS INTESTINAL; FAMILIAL ADENOMATOUS POLYPOSIS 1, ATTENUATED. Identifiers: MedGen C2713442, MONDO:0021056, OMIM 175100. Disease mechanism: loss of function.

Submissions (2):

Labcorp Genetics (formerly Invitae), Labcorp
Classification: Uncertain significance for Familial adenomatous polyposis 1. Last evaluated: 2023-04-15. Review status: criteria provided, single submitter. Criteria: Invitae Variant Classification Sherloc (09022015). Collection method: clinical testing. Allele origin: germline.
Comment: In summary, the available evidence is currently insufficient to determine the role of this variant in disease. Therefore, it has been classified as a Variant of Uncertain Significance. Advanced modeling of protein sequence and biophysical properties (such as structural, functional, and spatial information, amino acid conservation, physicochemical variation, residue mobility, and thermodynamic stability) performed at Invitae indicates that this missense variant is not expected to disrupt APC protein function. ClinVar contains an entry for this variant (Variation ID: 1063950). This variant has not been reported in the literature in individuals affected with APC-related conditions. This variant is not present in population databases (gnomAD no frequency). This sequence change replaces alanine, which is neutral and non-polar, with valine, which is neutral and non-polar, at codon 1011 of the APC protein (p.Ala1011Val).

Ambry Genetics
Classification: Uncertain significance for Hereditary cancer-predisposing syndrome. Last evaluated: 2022-04-07. Review status: criteria provided, single submitter. Criteria: Ambry Variant Classification Scheme 2023. Collection method: clinical testing. Allele origin: germline.
Comment: The p.A1011V variant (also known as c.3032C>T), located in coding exon 15 of the APC gene, results from a C to T substitution at nucleotide position 3032. The alanine at codon 1011 is replaced by valine, an amino acid with similar properties. This amino acid position is conserved. In addition, in silico predictors for this gene do not accurately predict pathogenicity. Since supporting evidence is limited at this time, the clinical significance of this alteration remains unclear.

NM_000038.6(APC):c.3032C>T (p.Ala1011Val)

Gene: APC (APC regulator of Wnt signaling pathway; plus strand). Cytogenetic location: 5q22.2.
Variant type: single nucleotide variant.
Coding change: c.3032C>T on transcript NM_000038.6 (MANE Select); coding-DNA position 3032, C replaced by T.
Protein change: p.Ala1011Val; replaces alanine 1011 with valine.
Molecular consequence: missense variant.
Genome position (GRCh38, 1-based): chr5:112,838,626, C>T. VCF-style: chr5-112838626-C-T. GRCh37 (hg19) VCF-style: chr5-112174323-C-T.
Other names: c.3032C>T, p.Ala1011Val (NM_001127510.3, NM_001354895.2); c.2978C>T, p.Ala993Val (NM_001127511.3); c.3086C>T, p.Ala1029Val (NM_001354896.2); c.3062C>T, p.Ala1021Val (NM_001354897.2); c.2957C>T, p.Ala986Val (NM_001354898.2); c.2948C>T, p.Ala983Val (NM_001354899.2); c.2909C>T, p.Ala970Val (NM_001354900.2); c.2855C>T, p.Ala952Val (NM_001354901.2); and 5 more; short protein forms A1011V, A1021V, A1029V, A728V, A851V, A885V, A910V, A920V.
Identifiers: ClinVar variation 1063950 (VCV001063950.12), dbSNP rs1765320980, ClinGen allele CA16027966.